The following is an entry in ClinVar:

NM_015662.3(IFT172):c.245C>G (p.Ala82Gly)

Gene: IFT172 (intraflagellar transport 172; minus strand). Cytogenetic location: 2p23.3.
Variant type: single nucleotide variant.
Coding change: c.245C>G on transcript NM_015662.3 (MANE Select); coding-DNA position 245, C replaced by G.
Protein change: p.Ala82Gly; replaces alanine 82 with glycine.
Molecular consequence: missense variant.
Genome position (GRCh38, 1-based): chr2:27,485,069, G>C on the plus strand (C>G on the coding strand, the complement: IFT172 is on the minus strand). VCF-style: chr2-27485069-G-C. GRCh37 (hg19) VCF-style: chr2-27707936-G-C.
Other names: c.245C>G, p.Ala82Gly (NM_001410739.1); short protein forms A82G.
Identifiers: ClinVar variation 4988453 (VCV004988453.1).

ClinVar aggregate classification (germline): Uncertain significance. Review status: criteria provided, multiple submitters, no conflicts (2 of 4 stars). 2 submissions from 2 submitters: Uncertain significance (2). Last evaluated 2026-03-19.

Conditions:
IFT172-related disorder. Also called: IFT172-related disorders; IFT172-related condition.

Submissions (2):

GeneDx
Classification: Uncertain significance. Last evaluated: 2026-03-19. Review status: criteria provided, single submitter. Criteria: GeneDx Variant Classification Process June 2021. Collection method: clinical testing. Allele origin: germline.
Comment: Not observed at significant frequency in large population cohorts (gnomAD); In silico analysis supports that this missense variant has a deleterious effect on protein structure/function; Has not been previously published as pathogenic or benign to our knowledge

PreventionGenetics, part of Exact Sciences
Classification: Uncertain significance for IFT172-related condition. Last evaluated: 2026-01-21. Review status: criteria provided, single submitter. Criteria: ACMG Guidelines, 2015. Collection method: clinical testing. Allele origin: germline.
Comment: The IFT172 c.245C>G variant is predicted to result in the amino acid substitution p.Ala82Gly. To our knowledge, this variant has not been reported in the literature or in a large population database (gnomAD), indicating this variant is rare. At this time, the clinical significance of this variant is uncertain due to the absence of conclusive functional and genetic evidence.